The following is an entry in ClinVar:

NM_003072.5(SMARCA4):c.4051G>A (p.Asp1351Asn)

Gene: SMARCA4 (SWI/SNF related BAF chromatin remodeling complex subunit ATPase 4; plus strand). Cytogenetic location: 19p13.2.
Variant type: single nucleotide variant.
Coding change: c.4051G>A on transcript NM_003072.5 (MANE Select); coding-DNA position 4051, G replaced by A.
Protein change: p.Asp1351Asn; replaces aspartic acid 1351 with asparagine.
Molecular consequence: missense variant. On other transcripts: non-coding transcript variant (1).
Genome position (GRCh38, 1-based): chr19:11,035,013, G>A. VCF-style: chr19-11035013-G-A. GRCh37 (hg19) VCF-style: chr19-11145689-G-A.
Other names: c.3952G>A, p.Asp1318Asn (NM_001128846.2, NM_001128845.2, NM_001128847.4 and 3 more transcripts); c.4051G>A, p.Asp1351Asn (NM_001128844.3, NM_001128849.3, NM_001387283.1); short protein forms D1318N, D1351N.
Identifiers: ClinVar variation 2587119 (VCV002587119.2), dbSNP rs1318154109, ClinGen allele CA404068204.
Genomic context (GRCh38, chr19:11,035,013, plus strand): 5'-CCCAAGCGGAAGCCGCGCCTCATGGAGGAGGACGAGCTCCCCTCGTGGATCATCAAGGAC[G>A]ACGCGGAGGTGGAGCGGCTGACCTGTGAGGAGGAGGAGGAGAAGATGTTCGGCCGTGGCT-3'
Protein context (NP_003063.2, residues 1341-1361): DELPSWIIKD[Asp1351Asn]AEVERLTCEE

ClinVar aggregate classification (germline): Uncertain significance (1 of 4 stars; one submission).

Conditions:
Hereditary cancer-predisposing syndrome. Also called: Tumor predisposition; Hereditary Cancer Syndrome; Hereditary neoplastic syndrome; Neoplastic Syndromes, Hereditary. Identifiers: Orphanet 140162, MedGen C0027672, MeSH D009386, MONDO:0015356.

Allele frequency attached by ClinVar (database versions not stated): gnomAD 0.00001.
gnomAD v4.1: 1 of 1,612,078 alleles (0.000062%); highest among the groups gnomAD compares: African/African-American, 0.0013%; no homozygotes.

Submission:

Ambry Genetics
Classification: Uncertain significance for Hereditary cancer-predisposing syndrome. Last evaluated: 2023-07-17. Review status: criteria provided, single submitter. Criteria: Ambry Variant Classification Scheme 2023. Collection method: clinical testing. Allele origin: germline.
Comment: The p.D1351N variant (also known as c.4051G>A), located in coding exon 28 of the SMARCA4 gene, results from a G to A substitution at nucleotide position 4051. The aspartic acid at codon 1351 is replaced by asparagine, an amino acid with highly similar properties. Missense and in-frame variants in SMARCA4 are known to cause neurodevelopmental disorders; however, such associations with rhabdoid tumor predisposition syndrome including small cell carcinoma of the ovary-hypercalcemic type (SCCOHT) are exceedingly rare (Kosho T et al. Am J Med Genet C Semin Med Genet. 2014 Sep;166C(3):262-75; Jelinic P et al. Nat Genet. 2014 May;46(5):424-6). This amino acid position is highly conserved in available vertebrate species. In addition, this alteration is predicted to be tolerated by in silico analysis. Based on the supporting evidence, the association of this alteration with Coffin-Siris syndrome is unknown; however, the association of this alteration with rhabdoid tumor predisposition syndrome is unlikely.